The following is an entry in ClinVar:

ClinVar aggregate classification (germline): Uncertain significance. Review status: criteria provided, multiple submitters, no conflicts (2 of 4 stars). 5 submissions from 5 submitters: Uncertain significance (5). Last evaluated 2025-09-23.

Conditions:
PKHD1-related disorder. Also called: PKHD1-related condition.
Autosomal recessive polycystic kidney disease (ARPKD). Also called: AR polycystic kidney disease. Identifiers: Orphanet 731, Orphanet 8378, MedGen C0085548, MeSH D017044, MONDO:0009889.

Submissions (5):

GeneDx
Classification: Uncertain significance. Last evaluated: 2025-09-23. Review status: criteria provided, single submitter. Criteria: GeneDx Variant Classification Process June 2021. Collection method: clinical testing. Allele origin: germline. Affected: yes.
Comment: Nonsense variant predicted to result in protein truncation as the last 27 amino acid(s) are lost; Has not been previously published as pathogenic or benign to our knowledge

PreventionGenetics, part of Exact Sciences
Classification: Uncertain significance for PKHD1-related condition. Last evaluated: 2025-06-30. Review status: criteria provided, single submitter. Criteria: ACMG Guidelines, 2015. Collection method: clinical testing. Allele origin: germline.
Comment: The PKHD1 c.12142_12143delinsTG variant is predicted to result in premature protein termination (p.Gln4048*). This variant occurs within the terminal exon of the PHKD1 gene, is predicted to truncate the last 27 amino acids of the protein coding sequence, and is not expected to result in nonsense mediated decay. To our knowledge, this variant has not been reported in the literature; however, another nucleotide change (c.12142C>T) resulting in the same truncating variant has been reported in the heterozygous state as a variant of uncertain significance in a patient with polycystic liver disease (Besse et al. 2017. PubMed ID: 28375157) and has been observed in >500 heterozygous individuals in gnomAD v4.1.0. Although we suspect that the p.Gln4048* variant could be pathogenic, at this time, the clinical significance of this variant is uncertain due to the absence of conclusive functional and genetic evidence.

Labcorp Genetics (formerly Invitae), Labcorp
Classification: Uncertain significance for Autosomal recessive polycystic kidney disease. Last evaluated: 2024-11-11. Review status: criteria provided, single submitter. Criteria: Invitae Variant Classification Sherloc (09022015). Collection method: clinical testing. Allele origin: germline.
Comment: This sequence change creates a premature translational stop signal (p.Gln4048*) in the PKHD1 gene. While this is not anticipated to result in nonsense mediated decay, it is expected to disrupt the last 27 amino acid(s) of the PKHD1 protein. This variant is present in population databases (no rsID available, gnomAD 0.03%). This variant has not been reported in the literature in individuals affected with PKHD1-related conditions. ClinVar contains an entry for this variant (Variation ID: 1206452). Experimental studies and prediction algorithms are not available or were not evaluated, and the functional significance of this variant is currently unknown. In summary, the available evidence is currently insufficient to determine the role of this variant in disease. Therefore, it has been classified as a Variant of Uncertain Significance.

Women's Health and Genetics/Laboratory Corporation of America, LabCorp
Classification: Uncertain significance. Last evaluated: 2024-08-19. Review status: criteria provided, single submitter. Criteria: LabCorp Variant Classification Summary - May 2015. Collection method: clinical testing. Allele origin: germline.
Comment: Variant summary: PKHD1 c.12142_12143delinsTG (p.Gln4048X) results in a premature termination codon, predicted to cause a truncation of the encoded protein or absence of the protein due to nonsense mediated decay, which are commonly known mechanisms for disease. The variant allele was found at a frequency of 0.00034 in 282370 control chromosomes. This frequency is not significantly higher than estimated for a pathogenic variant in PKHD1 causing Polycystic Kidney And Hepatic Disease (0.00034 vs 0.0071), allowing no conclusion about variant significance. To our knowledge, no occurrence of c.12142_12143delinsTG in individuals affected with Polycystic Kidney And Hepatic Disease and no experimental evidence demonstrating its impact on protein function have been reported. The following publication have been ascertained in the context of this evaluation (PMID: 28375157). ClinVar contains an entry for this variant (Variation ID: 1206452). Based on the evidence outlined above, the variant was classified as uncertain significance.

Blueprint Genetics
Classification: Uncertain significance. Last evaluated: 2022-02-16. Review status: criteria provided, single submitter. Criteria: ACMG Guidelines, 2015. Collection method: clinical testing. Allele origin: germline.

Literature cited by the submitters: PubMed 28375157 (cited by Women's Health and Genetics/Laboratory Corporation of America, LabCorp).

NM_138694.4(PKHD1):c.12142_12143inv (p.Gln4048Ter)

Gene: PKHD1 (PKHD1 ciliary IPT domain containing fibrocystin/polyductin; minus strand). Cytogenetic location: 6p12.3.
Variant type: Inversion.
Coding change: c.12142_12143inv on transcript NM_138694.4 (MANE Select).
Protein change: p.Gln4048Ter; replaces glutamine 4048 with a stop codon.
Molecular consequence: nonsense.
Genome position: GRCh38 VCF-style: chr6-51619163-TG-CA. GRCh37 (hg19) VCF-style: chr6-51483961-TG-CA.
Other names: c.12142_12143delinsTG (NM_138694.4); c.12142_12143delCAinsTG (NM_138694.3); short protein forms Q4048*.
Identifiers: ClinVar variation 1206452 (VCV001206452.18), ClinGen allele CA2499218340.